The following is an entry in ClinVar:

NM_052859.4(RFT1):c.1316T>C (p.Met439Thr)

Gene: RFT1 (RFT1 glycolipid translocator homolog; minus strand). Cytogenetic location: 3p21.1.
Variant type: single nucleotide variant.
Coding change: c.1316T>C on transcript NM_052859.4 (MANE Select); coding-DNA position 1316, T replaced by C.
Protein change: p.Met439Thr; replaces methionine 439 with threonine.
Molecular consequence: missense variant.
Genome position (GRCh38, 1-based): chr3:53,092,511, A>G on the plus strand (T>C on the coding strand, the complement: RFT1 is on the minus strand). VCF-style: chr3-53092511-A-G. GRCh37 (hg19) VCF-style: chr3-53126527-A-G.
Other names: short protein forms M439T.
Identifiers: ClinVar variation 1363537 (VCV001363537.6), dbSNP rs749046487, ClinGen allele CA2451180.

ClinVar aggregate classification (germline): Uncertain significance (1 of 4 stars; one submission).

Conditions:
RFT1-congenital disorder of glycosylation (CDG1N). Also called: CDG In; Congenital disorder of glycosylation type In; RFT1-CDG. Identifiers: Orphanet 244310, MedGen C2677590, MONDO:0012783, OMIM 612015.

Allele frequency attached by ClinVar (database versions not stated): gnomAD exomes below 0.00001; ExAC 0.00001.
gnomAD v4.1: 2 of 1,612,558 alleles (0.00012%); highest among the groups gnomAD compares: Non-Finnish European, 0.00017%; no homozygotes.

Submission:

Labcorp Genetics (formerly Invitae), Labcorp
Classification: Uncertain significance for RFT1-congenital disorder of glycosylation. Last evaluated: 2021-06-24. Review status: criteria provided, single submitter. Criteria: Invitae Variant Classification Sherloc (09022015). Collection method: clinical testing. Allele origin: germline.
Comment: In summary, the available evidence is currently insufficient to determine the role of this variant in disease. Therefore, it has been classified as a Variant of Uncertain Significance. Algorithms developed to predict the effect of missense changes on protein structure and function (SIFT, PolyPhen-2, Align-GVGD) all suggest that this variant is likely to be disruptive, but these predictions have not been confirmed by published functional studies and their clinical significance is uncertain. This variant has not been reported in the literature in individuals with RFT1-related conditions. This variant is present in population databases (rs749046487, ExAC 0.002%). This sequence change replaces methionine with threonine at codon 439 of the RFT1 protein (p.Met439Thr). The methionine residue is highly conserved and there is a moderate physicochemical difference between methionine and threonine.